The following is an entry in ClinVar:

NM_007194.4(CHEK2):c.876del (p.Phe292fs)

Gene: CHEK2 (checkpoint kinase 2; minus strand). Cytogenetic location: 22q12.1.
Variant type: Deletion.
Coding change: c.876del on transcript NM_007194.4 (MANE Select); coding-DNA position 876, one base deleted (T; older notation c.876delT).
Protein change: p.Phe292fs; shifts the reading frame from phenylalanine 292.
Molecular consequence: frameshift variant.
Genome position (GRCh38, 1-based): chr22:28,703,537, A deleted on the plus strand (T on the coding strand, the reverse complement: CHEK2 is on the minus strand); the first of 6 consecutive A bases (chr22:28,703,537-28,703,542); deleting any one gives the same sequence. VCF-style (leftmost placement, unchanged base first): chr22-28703536-CA-C. GRCh37 (hg19) VCF-style: chr22-29099524-CA-C.
Other names: c.876del (NM_007194.3); c.1000delT, p.Phe335Leufs (NM_001005735.3); c.208delT, p.Phe71Leufs (NM_001257387.3); c.670delT, p.Phe225Leufs (NM_001349956.3); c.871delT, p.Phe292Leufs (NM_145862.3); short protein forms F225fs, F335fs, F71fs, F292fs.
Identifiers: ClinVar variation 234765 (VCV000234765.21), dbSNP rs772683219, ClinGen allele CA10167794.

ClinVar aggregate classification (germline): Pathogenic. Review status: criteria provided, multiple submitters, no conflicts (2 of 4 stars). 5 submissions from 5 submitters: Pathogenic (5). Last evaluated 2024-08-27.

Conditions:
Hereditary cancer-predisposing syndrome. Also called: Hereditary neoplastic syndrome; Hereditary Cancer Syndrome; Neoplastic Syndromes, Hereditary; Tumor predisposition. Identifiers: Orphanet 140162, MedGen C0027672, MeSH D009386, MONDO:0015356.
Familial cancer of breast. Also called: BREAST CANCER, FAMILIAL; hereditary breast carcinoma; Hereditary breast cancer. Identifiers: Orphanet 227535, MedGen C0346153, MONDO:0016419, OMIM 114480. Disease mechanism: loss of function.

Submissions (5):

Ambry Genetics
Classification: Pathogenic for Hereditary cancer-predisposing syndrome. Last evaluated: 2024-08-27. Review status: criteria provided, single submitter. Criteria: Ambry Variant Classification Scheme 2023. Collection method: clinical testing. Allele origin: germline.
Comment: The c.876delT pathogenic mutation, located in coding exon 7 of the CHEK2 gene, results from a deletion of one nucleotide at nucleotide position 876, causing a translational frameshift with a predicted alternate stop codon (p.F292Lfs*12). This variant is considered to be rare based on population cohorts in the Genome Aggregation Database (gnomAD). This alteration is expected to result in loss of function by premature protein truncation or nonsense-mediated mRNA decay. As such, this alteration is interpreted as a disease-causing mutation.

Labcorp Genetics (formerly Invitae), Labcorp
Classification: Pathogenic for Familial cancer of breast. Last evaluated: 2024-06-17. Review status: criteria provided, single submitter. Criteria: Invitae Variant Classification Sherloc (09022015). Collection method: clinical testing. Allele origin: germline.
Comment: This sequence change creates a premature translational stop signal (p.Phe292Leufs*12) in the CHEK2 gene. It is expected to result in an absent or disrupted protein product. Loss-of-function variants in CHEK2 are known to be pathogenic (PMID: 21876083, 24713400). The frequency data for this variant in the population databases is considered unreliable, as metrics indicate poor data quality at this position in the gnomAD database. This variant has not been reported in the literature in individuals affected with CHEK2-related conditions. ClinVar contains an entry for this variant (Variation ID: 234765). For these reasons, this variant has been classified as Pathogenic.

GeneDx
Classification: Pathogenic. Last evaluated: 2023-11-21. Review status: criteria provided, single submitter. Criteria: GeneDx Variant Classification Process June 2021. Collection method: clinical testing. Allele origin: germline. Affected: yes.
Comment: Frameshift variant predicted to result in protein truncation or nonsense mediated decay in a gene for which loss of function is a known mechanism of disease; Not observed at significant frequency in large population cohorts (gnomAD); Truncating variants in this gene are considered pathogenic by a well-established clinical consortium and/or database; Observed in individuals with early onset breast cancer (PMID: 36672847); This variant is associated with the following publications: (PMID: 32805687, 29922827, 35512711, 36672847)

Myriad Genetics, Inc.
Classification: Pathogenic for Familial cancer of breast. Last evaluated: 2023-06-27. Review status: criteria provided, single submitter. Criteria: Myriad Autosomal Dominant, Autosomal Recessive and X-Linked Classification Criteria (2023). Collection method: clinical testing. Allele origin: unknown.
Comment: This variant is considered pathogenic. This variant creates a frameshift predicted to result in premature protein truncation.

Color Diagnostics, LLC DBA Color Health
Classification: Pathogenic for Hereditary cancer-predisposing syndrome. Last evaluated: 2022-05-23. Review status: criteria provided, single submitter. Criteria: ACMG Guidelines, 2015. Collection method: clinical testing. Allele origin: germline.
Comment: This variant deletes 1 nucleotide in exon 8 of the CHEK2 gene, creating a frameshift and premature translation stop signal. This variant is expected to result in an absent or non-functional protein product. To our knowledge, this variant has not been reported in individuals affected with hereditary cancer in the literature. This variant has not been identified in the general population by the Genome Aggregation Database (gnomAD). Loss of CHEK2 function is a known mechanism of disease. Based on the available evidence, this variant is classified as Pathogenic.

Literature cited by the submitters: PubMed 21876083 (cited by Labcorp Genetics (formerly Invitae), Labcorp); PubMed 24713400 (cited by Labcorp Genetics (formerly Invitae), Labcorp).